The following is an entry in ClinVar:

ClinVar aggregate classification (germline): Uncertain significance (1 of 4 stars; one submission).

Submission:

Ambry Genetics
Classification: Uncertain significance. Last evaluated: 2022-11-04. Review status: criteria provided, single submitter. Criteria: Ambry Variant Classification Scheme 2023. Collection method: clinical testing. Allele origin: germline.
Comment: The c.1259delC variant, located in coding exon 12 of the KIF1B gene, results from a deletion of one nucleotide at nucleotide position 1259, causing a translational frameshift with a predicted alternate stop codon (p.S420Lfs*12). This alteration is expected to result in loss of function by premature protein truncation or nonsense-mediated mRNA decay. The evidence for this gene-disease relationship is limited; therefore, the clinical significance of this alteration is unclear.

NM_001365951.3(KIF1B):c.1397del (p.Ser466fs)

Gene: KIF1B (kinesin family member 1B; plus strand). Cytogenetic location: 1p36.22.
Variant type: Deletion.
Coding change: c.1397del on transcript NM_001365951.3 (MANE Select); coding-DNA position 1397, one base deleted (C; older notation c.1397delC).
Protein change: p.Ser466fs; shifts the reading frame from serine 466.
Molecular consequence: frameshift variant.
Genome position (GRCh38, 1-based): chr1:10,282,496, C deleted. VCF-style (leftmost placement, unchanged base first): chr1-10282495-TC-T. GRCh37 (hg19) VCF-style: chr1-10342553-TC-T.
Other names: c.1397del, p.Ser466fs (NM_001365952.1); c.1259del, p.Ser420fs (NM_001365953.1, NM_015074.3, NM_183416.4); c.1259delC (NM_015074.3); short protein forms S420fs, S466fs.
Identifiers: ClinVar variation 2497131 (VCV002497131.2), dbSNP rs2521257492, ClinGen allele CA2580060665.